The following is an entry in ClinVar:

NM_032242.4(PLXNA1):c.4651G>C (p.Ala1551Pro)

Gene: PLXNA1 (plexin A1; plus strand). Cytogenetic location: 3q21.3.
Variant type: single nucleotide variant.
Coding change: c.4651G>C on transcript NM_032242.4 (MANE Select); coding-DNA position 4651, G replaced by C.
Protein change: p.Ala1551Pro; replaces alanine 1551 with proline.
Molecular consequence: missense variant.
Genome position (GRCh38, 1-based): chr3:127,028,322, G>C. VCF-style: chr3-127028322-G-C. GRCh37 (hg19) VCF-style: chr3-126747165-G-C.
Other names: short protein forms A1551P.
Identifiers: ClinVar variation 3344444 (VCV003344444.1).
Genomic context (GRCh38, chr3:127,028,322, plus strand): 5'-GCCAAGGAGAAGCTGCTGGACGCTGCCTACAAGGGCGTGCCCTACTCCCAGCGGCCCAAG[G>C]CCGCGGACATGGACCTGGGTGAGCGGGCGGGGCCACGGCTGCCCGGGGTGTGTGCTGGAG-3'
Protein context (NP_115618.3, residues 1541-1561): KGVPYSQRPK[Ala1551Pro]ADMDLEWRQG

ClinVar aggregate classification (germline): Uncertain significance (0 of 4 stars; one submission).

Conditions:
PLXNA1-related disorder. Also called: PLXNA1-related condition.

Submission:

PreventionGenetics, part of Exact Sciences
Classification: Uncertain significance for PLXNA1-related condition. Last evaluated: 2024-05-31. Review status: no assertion criteria provided. Collection method: clinical testing. Allele origin: germline.
Comment: The PLXNA1 c.4651G>C variant is predicted to result in the amino acid substitution p.Ala1551Pro. To our knowledge, this variant has not been reported in the literature or in a large population database, indicating this variant is rare. At this time, the clinical significance of this variant is uncertain due to the absence of conclusive functional and genetic evidence.